The following is an entry in ClinVar:

ClinVar aggregate classification (germline): Pathogenic (1 of 4 stars; one submission).

Conditions:
Joubert syndrome and related disorders. Identifiers: Orphanet 140874, MedGen C5679612, MONDO:0015369.

Submission:

Women's Health and Genetics/Laboratory Corporation of America, LabCorp
Classification: Pathogenic for Joubert syndrome and related disorders. Last evaluated: 2025-11-10. Review status: criteria provided, single submitter. Criteria: LabCorp Variant Classification Summary - May 2015. Collection method: clinical testing. Allele origin: germline.
Comment: Variant summary: The variant involves the deletion of exons 5-20 in the NPHP1 gene. A presumed nomenclature of c.(329+1_330-1)_(*444_?)del has been designated for the purposes of this classification. The exact breakpoint at the distal 3' end of this variant is unknown, therefore this deletion may extend downstream of the annotated region of the gene. As it encompasses the termination codon, it is predicted to escape nonsense mediated decay (NMD). Loss-of-function variants in this gene are known to be pathogenic. The variant was absent in 21694 control chromosomes. A variant involving at least the deletion of exons 5-20 has been reported in individuals affected with chronic kidney disease or end-stage renal disease, however due to the testing method used it was not possible to determine if this deletion involved other exons upstream of exon 5 in the NPHP1 gene (Gheissari_2015). Therefore, this report does not provide unequivocal conclusions about association of the variant with Joubert Syndrome And Related Disorders. To our knowledge, no experimental evidence demonstrating an impact on protein function has been reported. However, variants within the deleted region have been classified as pathogenic/likely pathogenic, indicating the critical relevance of exons 5-20 to protein function. The following publication has been ascertained in the context of this evaluation (PMID: 25851290). No submitters have cited clinical-significance assessments for this variant to ClinVar. Based on the evidence outlined above, the variant was classified as pathogenic.

Literature cited by the submitters: PubMed 25851290.

NC_000002.11:g.(?_110880924)_(110927576_110935999)del

Gene: NPHP1 (nephrocystin 1; minus strand). Cytogenetic location: 2q13.
Variant type: Deletion.
Identifiers: ClinVar variation 4536930 (VCV004536930.1).